The following is an entry in ClinVar:

NM_001371279.1(REEP1):c.418-7222del

Gene: REEP1 (receptor accessory protein 1; minus strand). Cytogenetic location: 2p11.2.
Variant type: Deletion.
Coding change: c.418-7222del on transcript NM_001371279.1 (MANE Select); 7222 bases into the intron before coding-DNA position 418, one base deleted (G; older notation c.418-7222delG).
Molecular consequence: intron variant.
Genome position (GRCh38, 1-based): chr2:86,240,024, C deleted on the plus strand (G on the coding strand, the reverse complement: REEP1 is on the minus strand); the first of 3 consecutive C bases (chr2:86,240,024-86,240,026); deleting any one gives the same sequence. VCF-style (leftmost placement, unchanged base first): chr2-86240023-GC-G. GRCh37 (hg19) VCF-style: chr2-86467146-GC-G.
Other names: c.439-7222del (NM_001164730.2); c.337-7222del (NM_001164731.2); c.183-7222del (NM_001164732.2); c.417+11933del (NM_001371280.1); c.418-7222del (NM_022912.3).
Identifiers: ClinVar variation 1711503 (VCV001711503.30), dbSNP rs533922394, ClinGen allele CA51428962.

ClinVar aggregate classification (germline): Benign (1 of 4 stars; one submission).

Submission:

CeGaT Center for Human Genetics Tuebingen
Classification: Benign. Last evaluated: 2023-05-01. Review status: criteria provided, single submitter. Criteria: CeGaT Center For Human Genetics Tuebingen Variant Classification Criteria Version 2. Collection method: clinical testing. Allele origin: germline. Affected: yes. Observed: 14 variant alleles.
Comment: REEP1: BS1, BS2